The following is an entry in ClinVar:

NM_024301.5(FKRP):c.1115T>G (p.Val372Gly)

Gene: FKRP (fukutin related protein; plus strand). Cytogenetic location: 19q13.32.
Variant type: single nucleotide variant.
Coding change: c.1115T>G on transcript NM_024301.5 (MANE Select); coding-DNA position 1115, T replaced by G.
Protein change: p.Val372Gly; replaces valine 372 with glycine.
Molecular consequence: missense variant.
Genome position (GRCh38, 1-based): chr19:46,756,565, T>G. VCF-style: chr19-46756565-T-G. GRCh37 (hg19) VCF-style: chr19-47259822-T-G.
Other names: c.1115T>G, p.Val372Gly (NM_001039885.3); c.1115T>G (NM_024301.4); short protein forms V372G.
Identifiers: ClinVar variation 197341 (VCV000197341.12), dbSNP rs771793862, ClinGen allele CA245424.
Genomic context (GRCh38, chr19:46,756,565, plus strand): 5'-GCCACGGGGACATCATCCCATGGGACTACGACGTGGACCTGGGCATCTACTTGGAGGACG[T>G]GGGCAACTGCGAGCAGCTGCGGGGGGCAGAGGCCGGCTCGGTGGTGGATGAGCGCGGCTT-3'
Protein context (NP_077277.1, residues 362-382): DVDLGIYLED[Val372Gly]GNCEQLRGAE

ClinVar aggregate classification (germline): Conflicting classifications of pathogenicity. Review status: criteria provided, conflicting classifications (1 of 4 stars). 3 submissions from 3 submitters: Likely pathogenic (1); Uncertain significance (2). Last evaluated 2025-10-07.

Conditions:
Walker-Warburg congenital muscular dystrophy. Also called: Muscular dystrophy-dystroglycanopathy, type A; Walker-Warburg syndrome. Identifiers: Orphanet 899, MedGen C0265221, MONDO:0000171.
Cardiovascular phenotype. Identifiers: MedGen CN230736.

Allele frequency attached by ClinVar (database versions not stated): gnomAD exomes below 0.00001 and 0.00001; TOPMed below 0.00001; ExAC 0.00001.
gnomAD v4.1: 8 of 1,608,502 alleles (0.0005%); highest among the groups gnomAD compares: Non-Finnish European, 0.00068%; no homozygotes.

Submissions (3):

Ambry Genetics
Classification: Uncertain significance for Cardiovascular phenotype. Last evaluated: 2025-10-07. Review status: criteria provided, single submitter. Criteria: Ambry Variant Classification Scheme 2023. Collection method: clinical testing. Allele origin: germline.
Comment: The p.V372G variant (also known as c.1115T>G), located in coding exon 1 of the FKRP gene, results from a T to G substitution at nucleotide position 1115. The valine at codon 372 is replaced by glycine, an amino acid with dissimilar properties. This variant has been identified in the homozygous state and/or in conjunction with other FKRP variant(s) in individual(s) with features consistent with dystroglycanopathies; in at least one instance, the variants were identified in trans (Murphy LB et al. Ann Clin Transl Neurol, 2020 May;7:757-766; external communication). This amino acid position is well conserved in available vertebrate species. In addition, this alteration is predicted to be deleterious by in silico analysis. Based on the available evidence, the clinical significance of this variant remains unclear.

Labcorp Genetics (formerly Invitae), Labcorp
Classification: Likely pathogenic for Walker-Warburg congenital muscular dystrophy. Last evaluated: 2025-04-09. Review status: criteria provided, single submitter. Criteria: Invitae Variant Classification Sherloc (09022015). Collection method: clinical testing. Allele origin: germline.
Comment: This sequence change replaces valine, which is neutral and non-polar, with glycine, which is neutral and non-polar, at codon 372 of the FKRP protein (p.Val372Gly). This variant is present in population databases (rs771793862, gnomAD 0.001%). This missense change has been observed in individual(s) with clinical features of limb-girdle muscular dystrophy (internal data). In at least one individual the data is consistent with being in trans (on the opposite chromosome) from a pathogenic variant. ClinVar contains an entry for this variant (Variation ID: 197341). Invitae Evidence Modeling of protein sequence and biophysical properties (such as structural, functional, and spatial information, amino acid conservation, physicochemical variation, residue mobility, and thermodynamic stability) indicates that this missense variant is expected to disrupt FKRP protein function with a positive predictive value of 80%. In summary, the currently available evidence indicates that the variant is pathogenic, but additional data are needed to prove that conclusively. Therefore, this variant has been classified as Likely Pathogenic.

Eurofins Ntd Llc (ga)
Classification: Uncertain significance. Last evaluated: 2015-12-04. Review status: criteria provided, single submitter. Criteria: EGL Classification Definitions 2015. Collection method: clinical testing. Allele origin: germline. Observed: 3 variant alleles, 3 heterozygotes.

Literature cited by the submitters: PubMed 32342672 (cited by Ambry Genetics).